The following is an entry in ClinVar:

NM_007294.4(BRCA1):c.5152+4A>C

Gene: BRCA1 (BRCA1 DNA repair associated; minus strand). Cytogenetic location: 17q21.31.
Variant type: single nucleotide variant.
Coding change: c.5152+4A>C on transcript NM_007294.4 (MANE Select); 4 bases into the intron after coding-DNA position 5152, A replaced by C.
Molecular consequence: intron variant.
Genome position (GRCh38, 1-based): chr17:43,063,870, T>G on the plus strand (A>C on the coding strand, the complement: BRCA1 is on the minus strand). VCF-style: chr17-43063870-T-G. GRCh37 (hg19) VCF-style: chr17-41215887-T-G.
Other names: c.1699+4A>C (NM_001408458.1, NM_001408461.1, NM_001408464.1 and 7 more transcripts); c.4261+4A>C (NM_001407967.1); c.4771+4A>C (NM_001407959.1); c.4885+4A>C (NM_001407931.1, NM_001407932.1, NM_001407928.1 and 4 more transcripts); c.5008+4A>C (NM_001407747.1, NM_001407745.1, NM_001407737.1 and 21 more transcripts); c.4768+4A>C (NM_001407962.1, NM_001407960.1); c.1339+4A>C (NM_001408512.1); c.1462+4A>C (NM_001408510.1); and 73 more.
Identifiers: ClinVar variation 867706 (VCV000867706.3), dbSNP rs397509232, ClinGen allele CA916080123.

Conditions:
Breast-ovarian cancer, familial, susceptibility to, 1 (BROVCA1). Also called: BRCA1 Hereditary Breast and Ovarian Cancer; OVARIAN CANCER, SUSCEPTIBILITY TO. Identifiers: Orphanet 145, MedGen C2676676, MONDO:0011450, OMIM 604370. Disease mechanism: loss of function.

Submission:

Brotman Baty Institute, University of Washington
No classification provided (evidence only). Condition: Breast-ovarian cancer, familial 1. Review status: no classification provided. Collection method: in vitro. Allele origin: not applicable. Functional consequence: functionally_abnormal.
ClinVar note: "not provided" was previously submitted as the classification for the variant. However, the classification appeared to be based only on an observation of functional data so it was converted to no classification on 2025-07-30.